The following is an entry in ClinVar:

NM_012434.5(SLC17A5):c.613+2T>A

Gene: SLC17A5 (solute carrier family 17 member 5; minus strand). Cytogenetic location: 6q13.
Variant type: single nucleotide variant.
Coding change: c.613+2T>A on transcript NM_012434.5 (MANE Select); the canonical splice donor site of the intron after coding-DNA position 613, T replaced by A.
Molecular consequence: splice donor variant.
Genome position (GRCh38, 1-based): chr6:73,638,410, A>T on the plus strand (T>A on the coding strand, the complement: SLC17A5 is on the minus strand). VCF-style: chr6-73638410-A-T. GRCh37 (hg19) VCF-style: chr6-74348133-A-T.
Other names: c.382+2T>A (NM_001382636.1, NM_001382629.1); c.613+2T>A (NM_001382632.1, NM_001382635.1, NM_001382634.1 and 2 more transcripts); c.634+2T>A (NM_001382631.1).
Identifiers: ClinVar variation 551797 (VCV000551797.3), dbSNP rs1554164078, ClinGen allele CA364716693.

ClinVar aggregate classification (germline): Likely pathogenic. Review status: criteria provided, single submitter (1 of 4 stars). 2 submissions from 2 submitters: Likely pathogenic (1). 1 of the submissions does not count toward it. Last evaluated 2024-05-06.

Conditions:
Salla disease (SD). Also called: Sialuria, Finnish type; N-acetylneuraminic acid (NANA) storage disease (NSD); Infantile sialic acid storage disorder (ISSD); Less Severe FSASD (Salla Disease). Identifiers: Orphanet 309334, Orphanet 834, MedGen C1096903, MONDO:0011449, OMIM 604369.

Submissions (2):

Natera, Inc.
Classification: Likely pathogenic for Salla disease. Last evaluated: 2024-05-06. Review status: criteria provided, single submitter. Criteria: Natera Variant Classification Schema (03/2026). Collection method: clinical testing. Allele origin: germline.
Comment: The c.613+2T>A variant in SLC17A5 is a canonical splice donor site variant predicted to affect pre-mRNA splicing, which may result in an abnormal transcript and altered protein product. This variant is expected to result in nonsense mediated decay, truncation, or a dysfunctional protein product. This variant is rare in the general population with a frequency below the threshold expected for the associated phenotype(s). Given the available evidence, this variant is classified as Likely Pathogenic.

Counsyl
Classification: Likely pathogenic for Salla disease. Last evaluated: 2017-05-09. Review status: no assertion criteria provided. Collection method: clinical testing. Allele origin: unknown. Not counted in ClinVar's aggregate classification.